The following is an entry in ClinVar:

NM_001127198.5(TMC6):c.1846G>A (p.Val616Met)

Gene: TMC6 (transmembrane channel like 6; minus strand). Cytogenetic location: 17q25.3.
Variant type: single nucleotide variant.
Coding change: c.1846G>A on transcript NM_001127198.5 (MANE Select); coding-DNA position 1846, G replaced by A.
Protein change: p.Val616Met; replaces valine 616 with methionine.
Molecular consequence: missense variant. On other transcripts: non-coding transcript variant (4).
Genome position (GRCh38, 1-based): chr17:78,119,012, C>T on the plus strand (G>A on the coding strand, the complement: TMC6 is on the minus strand). VCF-style: chr17-78119012-C-T. GRCh37 (hg19) VCF-style: chr17-76115093-C-T.
Other names: c.1846G>A, p.Val616Met (NM_001321185.1, NM_001374596.1, NM_001375353.1 and 2 more transcripts); c.1666G>A, p.Val556Met (NM_001374593.1, NM_001374594.1); short protein forms V556M, V616M.
Identifiers: ClinVar variation 2052649 (VCV002052649.3), dbSNP rs774643891, ClinGen allele CA8795533.

ClinVar aggregate classification (germline): Uncertain significance (1 of 4 stars; one submission).

Conditions:
Epidermodysplasia verruciformis. Identifiers: Orphanet 302, MedGen C0014522, MONDO:0009176.

Allele frequency attached by ClinVar (database versions not stated): ExAC 0.00004; gnomAD 0.00005; TOPMed 0.00006.

Submission:

Labcorp Genetics (formerly Invitae), Labcorp
Classification: Uncertain significance for Epidermodysplasia verruciformis. Last evaluated: 2025-01-20. Review status: criteria provided, single submitter. Criteria: Invitae Variant Classification Sherloc (09022015). Collection method: clinical testing. Allele origin: germline.
Comment: This sequence change replaces valine, which is neutral and non-polar, with methionine, which is neutral and non-polar, at codon 616 of the TMC6 protein (p.Val616Met). The frequency data for this variant in the population databases is considered unreliable, as metrics indicate poor data quality at this position in the gnomAD database. This variant has not been reported in the literature in individuals affected with TMC6-related conditions. ClinVar contains an entry for this variant (Variation ID: 2052649). An algorithm developed to predict the effect of missense changes on protein structure and function outputs the following: PolyPhen-2: "Benign". The methionine amino acid residue is found in multiple mammalian species, which suggests that this missense change does not adversely affect protein function. In summary, the available evidence is currently insufficient to determine the role of this variant in disease. Therefore, it has been classified as a Variant of Uncertain Significance.